The following is an entry in ClinVar:

NM_000493.4(COL10A1):c.924A>C (p.Gly308=)

Genes: COL10A1 (collagen type X alpha 1 chain; minus strand), NT5DC1 (5'-nucleotidase domain containing 1; plus strand). Cytogenetic location: 6q22.1.
Variant type: single nucleotide variant.
Coding change: c.924A>C on transcript NM_000493.4 (MANE Select); coding-DNA position 924, A replaced by C.
Protein change: p.Gly308=; no amino-acid change (glycine 308 retained).
Molecular consequence: synonymous variant. On other transcripts: intron variant (1).
Genome position (GRCh38, 1-based): chr6:116,121,192, T>G on the plus strand (A>C on the coding strand, the complement: COL10A1 is on the minus strand). VCF-style: chr6-116121192-T-G. GRCh37 (hg19) VCF-style: chr6-116442355-T-G.
Other names: c.924A>C, p.Gly308= (NM_001424106.1, NM_001424107.1); c.529+3247T>G (NM_152729.3).
Identifiers: ClinVar variation 907220 (VCV000907220.13), dbSNP rs374250798, ClinGen allele CA3968295.

ClinVar aggregate classification (germline): Benign/Likely benign. Review status: criteria provided, multiple submitters, no conflicts (2 of 4 stars). 3 submissions from 3 submitters: Benign (2); Likely benign (1). Last evaluated 2026-02-01.

Conditions:
Metaphyseal chondrodysplasia, Schmid type (MCDS). Also called: SPONDYLOMETAPHYSEAL DYSPLASIA, JAPANESE TYPE. Identifiers: Orphanet 174, MedGen C0265289, MONDO:0007983, OMIM 156500.

Allele frequency attached by ClinVar (database versions not stated): TOPMed 0.00008; gnomAD 0.00010 and 0.00017; ExAC 0.00031; gnomAD exomes 0.00034; 1000 Genomes Project 30x 0.00125; 1000 Genomes Project 0.00140.
gnomAD v4.1: 222 of 1,613,254 alleles (0.014%); highest among the groups gnomAD compares: East Asian, 0.46%; 2 homozygotes.

Submissions (3):

Labcorp Genetics (formerly Invitae), Labcorp
Classification: Benign. Last evaluated: 2026-02-01. Review status: criteria provided, single submitter. Criteria: Invitae Variant Classification Sherloc (09022015). Collection method: clinical testing. Allele origin: germline.

Blueprint Genetics
Classification: Likely benign. Last evaluated: 2024-05-06. Review status: criteria provided, single submitter. Criteria: ACMG Guidelines, 2015. Collection method: clinical testing. Allele origin: germline.

Illumina Laboratory Services, Illumina
Classification: Benign for Metaphyseal chondrodysplasia, Schmid type. Last evaluated: 2018-01-12. Review status: criteria provided, single submitter. Criteria: ICSL Variant Classification Criteria 13 December 2019. Collection method: clinical testing. Allele origin: germline.
Comment: This variant was observed in the ICSL laboratory as part of a predisposition screen in an ostensibly healthy population. It had not been previously curated by ICSL or reported in the Human Gene Mutation Database (HGMD: prior to June 1st, 2018), and was therefore a candidate for classification through an automated scoring system. Utilizing variant allele frequency, disease prevalence and penetrance estimates, and inheritance mode, an automated score was calculated to assess if this variant is too frequent to cause the disease. Based on the score and internal cut-off values, a variant classified as benign is not then subjected to further curation. The score for this variant resulted in a classification of benign for this disease.